The following is an entry in ClinVar:

NM_000642.3(AGL):c.122G>A (p.Gly41Glu)

Gene: AGL (amylo-alpha-1,6-glucosidase and 4-alpha-glucanotransferase; plus strand). Cytogenetic location: 1p21.2.
Variant type: single nucleotide variant.
Coding change: c.122G>A on transcript NM_000642.3 (MANE Select); coding-DNA position 122, G replaced by A.
Protein change: p.Gly41Glu; replaces glycine 41 with glutamic acid.
Molecular consequence: missense variant.
Genome position (GRCh38, 1-based): chr1:99,861,542, G>A. VCF-style: chr1-99861542-G-A. GRCh37 (hg19) VCF-style: chr1-100327098-G-A.
Other names: c.122G>A, p.Gly41Glu (NM_000028.3, NM_000643.3, NM_000644.3 and 5 more transcripts); c.74G>A, p.Gly25Glu (NM_000646.3); short protein forms G41E, G25E.
Identifiers: ClinVar variation 2043208 (VCV002043208.3), dbSNP rs1468075770, ClinGen allele CA341329115.

ClinVar aggregate classification (germline): Uncertain significance. Review status: criteria provided, multiple submitters, no conflicts (2 of 4 stars). 3 submissions from 3 submitters: Uncertain significance (3). Last evaluated 2023-04-11.

Conditions:
Inborn genetic diseases. Identifiers: MedGen C0950123, MeSH D030342.
Glycogen storage disease type III (GSD3). Also called: FORBES DISEASE; Cori disease. Identifiers: Orphanet 366, MedGen C0017922, MONDO:0009291, OMIM 232400.

Allele frequency attached by ClinVar (database versions not stated): gnomAD 0.00003; TOPMed 0.00007.

Submissions (3):

Genome-Nilou Lab
Classification: Uncertain significance for Glycogen storage disease type III. Last evaluated: 2023-04-11. Review status: criteria provided, single submitter. Criteria: ACMG Guidelines, 2015. Collection method: clinical testing. Allele origin: germline. Affected: no.

Labcorp Genetics (formerly Invitae), Labcorp
Classification: Uncertain significance for Glycogen storage disease type III. Last evaluated: 2022-07-19. Review status: criteria provided, single submitter. Criteria: Invitae Variant Classification Sherloc (09022015). Collection method: clinical testing. Allele origin: germline.
Comment: This sequence change replaces glycine, which is neutral and non-polar, with glutamic acid, which is acidic and polar, at codon 41 of the AGL protein (p.Gly41Glu). This variant is not present in population databases (gnomAD no frequency). This variant has not been reported in the literature in individuals affected with AGL-related conditions. Algorithms developed to predict the effect of missense changes on protein structure and function are either unavailable or do not agree on the potential impact of this missense change (SIFT: "Deleterious"; PolyPhen-2: "Probably Damaging"; Align-GVGD: "Class C0"). In summary, the available evidence is currently insufficient to determine the role of this variant in disease. Therefore, it has been classified as a Variant of Uncertain Significance.

Ambry Genetics
Classification: Uncertain significance for Inborn genetic diseases. Last evaluated: 2020-11-06. Review status: criteria provided, single submitter. Criteria: Ambry Variant Classification Scheme 2023. Collection method: clinical testing. Allele origin: germline.
Comment: The c.122G>A (p.G41E) alteration is located in exon 3 (coding exon 2) of the AGL gene. This alteration results from a G to A substitution at nucleotide position 122, causing the glycine (G) at amino acid position 41 to be replaced by a glutamic acid (E). Based on data from the Genome Aggregation Database (gnomAD), the AGL c.122G>A alteration was not observed, with coverage at this position. This amino acid position is highly conserved in available vertebrate species. The in silico prediction for the p.G41E alteration is inconclusive. Based on insufficient or conflicting evidence, the clinical significance of this alteration remains unclear.